The following is an entry in ClinVar:

ClinVar aggregate classification (germline): Uncertain significance (1 of 4 stars; one submission).

Allele frequency attached by ClinVar (database versions not stated): ExAC 0.00001; gnomAD 0.00001.
gnomAD v4.1: 14 of 1,612,290 alleles (0.00087%); highest among the groups gnomAD compares: Non-Finnish European, 0.00093%; no homozygotes.

Submission:

Labcorp Genetics (formerly Invitae), Labcorp
Classification: Uncertain significance. Last evaluated: 2023-04-20. Review status: criteria provided, single submitter. Criteria: Invitae Variant Classification Sherloc (09022015). Collection method: clinical testing. Allele origin: germline.
Comment: This variant has not been reported in the literature in individuals affected with ADGRB2-related conditions. This sequence change replaces arginine, which is basic and polar, with cysteine, which is neutral and slightly polar, at codon 1240 of the ADGRB2 protein (p.Arg1240Cys). This variant is present in population databases (rs748198208, gnomAD 0.0009%). Experimental studies and prediction algorithms are not available or were not evaluated, and the functional significance of this variant is currently unknown. In summary, the available evidence is currently insufficient to determine the role of this variant in disease. Therefore, it has been classified as a Variant of Uncertain Significance.

NM_001364857.2(ADGRB2):c.3817C>T (p.Arg1273Cys)

Gene: ADGRB2 (adhesion G protein-coupled receptor B2; minus strand). Cytogenetic location: 1p35.2.
Variant type: single nucleotide variant.
Coding change: c.3817C>T on transcript NM_001364857.2 (MANE Select); coding-DNA position 3817, C replaced by T.
Protein change: p.Arg1273Cys; replaces arginine 1273 with cysteine.
Molecular consequence: missense variant.
Genome position (GRCh38, 1-based): chr1:31,731,363, G>A on the plus strand (C>T on the coding strand, the complement: ADGRB2 is on the minus strand). VCF-style: chr1-31731363-G-A. GRCh37 (hg19) VCF-style: chr1-32196964-G-A.
Other names: c.3817C>T, p.Arg1273Cys (NM_001294335.2, NM_001703.2); c.3718C>T, p.Arg1240Cys (NM_001294336.2); short protein forms R1240C, R1273C.
Identifiers: ClinVar variation 2716212 (VCV002716212.3), dbSNP rs748198208, ClinGen allele CA735192.